The following is an entry in ClinVar:

NM_001128840.3(CACNA1D):c.5849C>T (p.Pro1950Leu)

Gene: CACNA1D (calcium voltage-gated channel subunit alpha1 D; plus strand). Cytogenetic location: 3p21.1.
Variant type: single nucleotide variant.
Coding change: c.5849C>T on transcript NM_001128840.3 (MANE Select); coding-DNA position 5849, C replaced by T.
Protein change: p.Pro1950Leu; replaces proline 1950 with leucine.
Molecular consequence: missense variant.
Genome position (GRCh38, 1-based): chr3:53,808,748, C>T. VCF-style: chr3-53808748-C-T. GRCh37 (hg19) VCF-style: chr3-53842775-C-T.
Other names: c.5909C>T, p.Pro1970Leu (NM_000720.4); c.5777C>T, p.Pro1926Leu (NM_001128839.3); short protein forms P1950L, P1970L, P1926L.
Identifiers: ClinVar variation 3650534 (VCV003650534.2).

ClinVar aggregate classification (germline): Uncertain significance (1 of 4 stars; one submission).

gnomAD v4.1: 1 of 1,607,794 alleles (0.000062%); highest among the groups gnomAD compares: Non-Finnish European, 0.000085%; no homozygotes.

Submission:

Labcorp Genetics (formerly Invitae), Labcorp
Classification: Uncertain significance. Last evaluated: 2024-04-22. Review status: criteria provided, single submitter. Criteria: Invitae Variant Classification Sherloc (09022015). Collection method: clinical testing. Allele origin: germline.
Comment: This sequence change replaces proline, which is neutral and non-polar, with leucine, which is neutral and non-polar, at codon 1970 of the CACNA1D protein (p.Pro1970Leu). This variant is not present in population databases (gnomAD no frequency). This variant has not been reported in the literature in individuals affected with CACNA1D-related conditions. An algorithm developed to predict the effect of missense changes on protein structure and function (PolyPhen-2) suggests that this variant is likely to be disruptive. In summary, the available evidence is currently insufficient to determine the role of this variant in disease. Therefore, it has been classified as a Variant of Uncertain Significance.